The following is an entry in ClinVar:

NM_004104.5(FASN):c.3487G>A (p.Gly1163Arg)

Gene: FASN (fatty acid synthase; minus strand). Cytogenetic location: 17q25.3.
Variant type: single nucleotide variant.
Coding change: c.3487G>A on transcript NM_004104.5 (MANE Select); coding-DNA position 3487, G replaced by A.
Protein change: p.Gly1163Arg; replaces glycine 1163 with arginine.
Molecular consequence: missense variant.
Genome position (GRCh38, 1-based): chr17:82,086,499, C>T on the plus strand (G>A on the coding strand, the complement: FASN is on the minus strand). VCF-style: chr17-82086499-C-T. GRCh37 (hg19) VCF-style: chr17-80044375-C-T.
Other names: c.3487G>A (NM_004104.4); short protein forms G1163R.
Identifiers: ClinVar variation 1381807 (VCV001381807.10), dbSNP rs201281021, ClinGen allele CA8852354.

ClinVar aggregate classification (germline): Uncertain significance. Review status: criteria provided, multiple submitters, no conflicts (2 of 4 stars). 3 submissions from 3 submitters: Uncertain significance (3). Last evaluated 2025-07-14.

Conditions:
Epileptic encephalopathy. Identifiers: MedGen C0543888, HP:0200134.

Allele frequency attached by ClinVar (database versions not stated): gnomAD exomes 0.00003 and 0.00004; ExAC 0.00006; TOPMed 0.00015; gnomAD 0.00016 and 0.00019; ESP Exome Variant Server 0.00023.
gnomAD v4.1: 73 of 1,612,374 alleles (0.0045%); highest among the groups gnomAD compares: African/African-American, 0.048%; no homozygotes.

Submissions (3):

Labcorp Genetics (formerly Invitae), Labcorp
Classification: Uncertain significance for Epileptic encephalopathy. Last evaluated: 2025-07-14. Review status: criteria provided, single submitter. Criteria: Invitae Variant Classification Sherloc (09022015). Collection method: clinical testing. Allele origin: germline.
Comment: This sequence change replaces glycine, which is neutral and non-polar, with arginine, which is basic and polar, at codon 1163 of the FASN protein (p.Gly1163Arg). This variant is present in population databases (rs201281021, gnomAD 0.06%), and has an allele count higher than expected for a pathogenic variant. This variant has not been reported in the literature in individuals affected with FASN-related conditions. ClinVar contains an entry for this variant (Variation ID: 1381807). An algorithm developed to predict the effect of missense changes on protein structure and function (PolyPhen-2) suggests that this variant is likely to be tolerated. In summary, the available evidence is currently insufficient to determine the role of this variant in disease. Therefore, it has been classified as a Variant of Uncertain Significance.

Ambry Genetics
Classification: Uncertain significance. Last evaluated: 2024-10-08. Review status: criteria provided, single submitter. Criteria: Ambry Variant Classification Scheme 2023. Collection method: clinical testing. Allele origin: germline.

Breakthrough Genomics
Classification: Uncertain significance. Review status: criteria provided, single submitter. Criteria: ACMG Guidelines, 2015. Collection method: not provided. Allele origin: germline. Inheritance: Unknown mechanism. Affected: yes.